The following is an entry in ClinVar:

ClinVar aggregate classification (germline): Uncertain significance (1 of 4 stars; one submission).

Allele frequency attached by ClinVar (database versions not stated): gnomAD 0.00001; gnomAD exomes 0.00002.
gnomAD v4.1: 22 of 1,609,908 alleles (0.0014%); highest among the groups gnomAD compares: Non-Finnish European, 0.0019%; no homozygotes.

Submission:

Labcorp Genetics (formerly Invitae), Labcorp
Classification: Uncertain significance. Last evaluated: 2023-09-27. Review status: criteria provided, single submitter. Criteria: Invitae Variant Classification Sherloc (09022015). Collection method: clinical testing. Allele origin: germline.
Comment: This variant has not been reported in the literature in individuals affected with KAT6A-related conditions. This variant is not present in population databases (gnomAD no frequency). This sequence change replaces serine, which is neutral and polar, with phenylalanine, which is neutral and non-polar, at codon 524 of the KAT6A protein (p.Ser524Phe). Advanced modeling of protein sequence and biophysical properties (such as structural, functional, and spatial information, amino acid conservation, physicochemical variation, residue mobility, and thermodynamic stability) performed at Invitae indicates that this missense variant is not expected to disrupt KAT6A protein function. In summary, the available evidence is currently insufficient to determine the role of this variant in disease. Therefore, it has been classified as a Variant of Uncertain Significance.

NM_006766.5(KAT6A):c.1571C>T (p.Ser524Phe)

Gene: KAT6A (lysine acetyltransferase 6A; minus strand). Cytogenetic location: 8p11.21.
Variant type: single nucleotide variant.
Coding change: c.1571C>T on transcript NM_006766.5 (MANE Select); coding-DNA position 1571, C replaced by T.
Protein change: p.Ser524Phe; replaces serine 524 with phenylalanine.
Molecular consequence: missense variant.
Genome position (GRCh38, 1-based): chr8:41,955,323, G>A on the plus strand (C>T on the coding strand, the complement: KAT6A is on the minus strand). VCF-style: chr8-41955323-G-A. GRCh37 (hg19) VCF-style: chr8-41812841-G-A.
Other names: c.1571C>T, p.Ser524Phe (NM_001305878.2); short protein forms S524F.
Identifiers: ClinVar variation 2876270 (VCV002876270.3), dbSNP rs1334831547, ClinGen allele CA371074542.